The following is an entry in ClinVar:

NM_021629.4(GNB4):c.204-3T>C

Gene: GNB4 (G protein subunit beta 4; minus strand). Cytogenetic location: 3q26.33.
Variant type: single nucleotide variant.
Coding change: c.204-3T>C on transcript NM_021629.4 (MANE Select); 3 bases into the intron before coding-DNA position 204, T replaced by C.
Molecular consequence: intron variant.
Genome position (GRCh38, 1-based): chr3:179,416,559, A>G on the plus strand (T>C on the coding strand, the complement: GNB4 is on the minus strand). VCF-style: chr3-179416559-A-G. GRCh37 (hg19) VCF-style: chr3-179134347-A-G.
Identifiers: ClinVar variation 2142989 (VCV002142989.4), dbSNP rs199878950, ClinGen allele CA2712534.

ClinVar aggregate classification (germline): Uncertain significance (1 of 4 stars; one submission).

Conditions:
Charcot-Marie-Tooth disease dominant intermediate F. Identifiers: Orphanet 352670, MedGen C4749463, MONDO:0014074, OMIM 615185.

Allele frequency attached by ClinVar (database versions not stated): gnomAD exomes 0.00003; gnomAD 0.00005; TOPMed 0.00005; ExAC 0.00007; 1000 Genomes Project 30x 0.00031; 1000 Genomes Project 0.00040.
gnomAD v4.1: 43 of 1,585,744 alleles (0.0027%); highest among the groups gnomAD compares: East Asian, 0.091%; no homozygotes.

Submission:

Labcorp Genetics (formerly Invitae), Labcorp
Classification: Uncertain significance for Charcot-Marie-Tooth disease dominant intermediate F. Last evaluated: 2024-08-29. Review status: criteria provided, single submitter. Criteria: Invitae Variant Classification Sherloc (09022015). Collection method: clinical testing. Allele origin: germline.
Comment: This sequence change falls in intron 4 of the GNB4 gene. It does not directly change the encoded amino acid sequence of the GNB4 protein. It affects a nucleotide within the consensus splice site. This variant is present in population databases (rs199878950, gnomAD 0.05%). This variant has not been reported in the literature in individuals affected with GNB4-related conditions. ClinVar contains an entry for this variant (Variation ID: 2142989). Variants that disrupt the consensus splice site are a relatively common cause of aberrant splicing (PMID: 17576681, 9536098). Algorithms developed to predict the effect of sequence changes on RNA splicing suggest that this variant is not likely to affect RNA splicing. In summary, the available evidence is currently insufficient to determine the role of this variant in disease. Therefore, it has been classified as a Variant of Uncertain Significance.

Literature cited by the submitters: PubMed 17576681; PubMed 9536098.